The following is an entry in ClinVar:

ClinVar aggregate classification (germline): Uncertain significance. Review status: criteria provided, multiple submitters, no conflicts (2 of 4 stars). 2 submissions from 2 submitters: Uncertain significance (2). Last evaluated 2025-05-23.

Conditions:
Hereditary cancer-predisposing syndrome. Also called: Neoplastic Syndromes, Hereditary; Hereditary Cancer Syndrome; Hereditary neoplastic syndrome; Tumor predisposition. Identifiers: Orphanet 140162, MedGen C0027672, MeSH D009386, MONDO:0015356.
Microcephaly, normal intelligence and immunodeficiency (NBS). Also called: Nijmegen breakage syndrome; Microcephaly with normal intelligence immunodeficiency and lymphoreticular malignancies; Nonsyndromal microcephaly autosomal recessive with normal intelligence; Seemanova syndrome 2; Ataxia telangiectasia variant V1; BERLIN BREAKAGE SYNDROME. Identifiers: Orphanet 647, MedGen C0398791, MONDO:0009623, OMIM 251260.

Submissions (2):

Labcorp Genetics (formerly Invitae), Labcorp
Classification: Uncertain significance for Microcephaly, normal intelligence and immunodeficiency. Last evaluated: 2025-05-23. Review status: criteria provided, single submitter. Criteria: Invitae Variant Classification Sherloc (09022015). Collection method: clinical testing. Allele origin: germline.
Comment: This sequence change replaces histidine, which is basic and polar, with glutamine, which is neutral and polar, at codon 235 of the NBN protein (p.His235Gln). This variant is not present in population databases (gnomAD no frequency). This variant has not been reported in the literature in individuals affected with NBN-related conditions. ClinVar contains an entry for this variant (Variation ID: 826805). An algorithm developed to predict the effect of missense changes on protein structure and function (PolyPhen-2) suggests that this variant is likely to be disruptive. In summary, the available evidence is currently insufficient to determine the role of this variant in disease. Therefore, it has been classified as a Variant of Uncertain Significance.

Ambry Genetics
Classification: Uncertain significance for Hereditary cancer-predisposing syndrome. Last evaluated: 2018-01-05. Review status: criteria provided, single submitter. Criteria: Ambry Variant Classification Scheme 2023. Collection method: clinical testing. Allele origin: germline.
Comment: The p.H235Q variant (also known as c.705T>A), located in coding exon 7 of the NBN gene, results from a T to A substitution at nucleotide position 705. The histidine at codon 235 is replaced by glutamine, an amino acid with highly similar properties. This amino acid position is well conserved in available vertebrate species. In addition, the in silico prediction for this alteration is inconclusive. Since supporting evidence is limited at this time, the clinical significance of this alteration remains unclear.

NM_002485.5(NBN):c.705T>A (p.His235Gln)

Gene: NBN (nibrin; minus strand). Cytogenetic location: 8q21.3.
Variant type: single nucleotide variant.
Coding change: c.705T>A on transcript NM_002485.5 (MANE Select); coding-DNA position 705, T replaced by A.
Protein change: p.His235Gln; replaces histidine 235 with glutamine.
Molecular consequence: missense variant.
Genome position (GRCh38, 1-based): chr8:89,970,555, A>T on the plus strand (T>A on the coding strand, the complement: NBN is on the minus strand). VCF-style: chr8-89970555-A-T. GRCh37 (hg19) VCF-style: chr8-90982783-A-T.
Other names: c.459T>A, p.His153Gln (NM_001024688.3); short protein forms H153Q, H235Q.
Identifiers: ClinVar variation 826805 (VCV000826805.9), dbSNP rs1586087184, ClinGen allele CA371658899.